The following is an entry in ClinVar:

ClinVar aggregate classification (germline): Uncertain significance (1 of 4 stars; one submission).

Submission:

GeneDx
Classification: Uncertain significance. Last evaluated: 2025-12-15. Review status: criteria provided, single submitter. Criteria: GeneDx Variant Classification Process June 2021. Collection method: clinical testing. Allele origin: germline.
Comment: In silico analysis supports that this missense variant has a deleterious effect on protein structure/function; Not observed at significant frequency in large population cohorts (gnomAD); Has not been previously published as pathogenic or benign to our knowledge; Variants in candidate genes are classified as variants of uncertain significance in accordance with ACMG guidelines (PMID: 25741868)

NM_002332.3(LRP1):c.10913G>A (p.Cys3638Tyr)

Gene: LRP1 (LDL receptor related protein 1; plus strand). Cytogenetic location: 12q13.3.
Variant type: single nucleotide variant.
Coding change: c.10913G>A on transcript NM_002332.3 (MANE Select); coding-DNA position 10913, G replaced by A.
Protein change: p.Cys3638Tyr; replaces cysteine 3638 with tyrosine.
Molecular consequence: missense variant.
Genome position (GRCh38, 1-based): chr12:57,203,483, G>A. VCF-style: chr12-57203483-G-A. GRCh37 (hg19) VCF-style: chr12-57597266-G-A.
Other names: short protein forms C3638Y.
Identifiers: ClinVar variation 4975214 (VCV004975214.1).